The following is an entry in ClinVar:

ClinVar aggregate classification (germline): Uncertain significance. Review status: criteria provided, multiple submitters, no conflicts (2 of 4 stars). 5 submissions from 3 submitters: Uncertain significance (5). Last evaluated 2024-12-05.

Conditions:
NPHP3-related Meckel-like syndrome. Also called: GOLDSTON SYNDROME; Meckel syndrome type 7. Identifiers: Orphanet 3032, MedGen C2673885, MONDO:0009966, OMIM 267010.
Renal-hepatic-pancreatic dysplasia 1 (RHPD1). Identifiers: MedGen C3715199, MONDO:0008833, OMIM 208540.
Nephronophthisis 3 (NPHP3). Also called: Adolescent nephronophthisis. Identifiers: Orphanet 655, MedGen C1858392, MONDO:0011456, OMIM 604387.
Nephronophthisis. Also called: Juvenile Nephronophthisis. Identifiers: Orphanet 655, MedGen C0687120, MONDO:0019005, HP:0000090.

Allele frequency attached by ClinVar (database versions not stated): gnomAD 0.00006; TOPMed 0.00007.
gnomAD v4.1: 166 of 1,613,106 alleles (0.01%); highest among the groups gnomAD compares: Non-Finnish European, 0.013%; no homozygotes.

Submissions (5):

Labcorp Genetics (formerly Invitae), Labcorp
Classification: Uncertain significance for Nephronophthisis. Last evaluated: 2024-12-05. Review status: criteria provided, single submitter. Criteria: Invitae Variant Classification Sherloc (09022015). Collection method: clinical testing. Allele origin: germline.
Comment: This sequence change replaces serine, which is neutral and polar, with phenylalanine, which is neutral and non-polar, at codon 111 of the NPHP3 protein (p.Ser111Phe). This variant is present in population databases (no rsID available, gnomAD 0.007%). This variant has not been reported in the literature in individuals affected with NPHP3-related conditions. ClinVar contains an entry for this variant (Variation ID: 343392). Invitae Evidence Modeling of protein sequence and biophysical properties (such as structural, functional, and spatial information, amino acid conservation, physicochemical variation, residue mobility, and thermodynamic stability) has been performed for this missense variant. However, the output from this modeling did not meet the statistical confidence thresholds required to predict the impact of this variant on NPHP3 protein function. In summary, the available evidence is currently insufficient to determine the role of this variant in disease. Therefore, it has been classified as a Variant of Uncertain Significance.

Fulgent Genetics
Classification: Uncertain significance for Renal-hepatic-pancreatic dysplasia 1; NPHP3-related Meckel-like syndrome; Nephronophthisis 3. Last evaluated: 2022-05-02. Review status: criteria provided, single submitter. Criteria: ACMG Guidelines, 2015. Collection method: clinical testing. Allele origin: unknown.

Illumina Laboratory Services, Illumina
Classification: Uncertain significance for Nephronophthisis 3. Last evaluated: 2018-01-12. Review status: criteria provided, single submitter. Criteria: ICSL Variant Classification Criteria 13 December 2019. Collection method: clinical testing. Allele origin: germline.

Illumina Laboratory Services, Illumina
Classification: Uncertain significance for Renal-hepatic-pancreatic dysplasia 1. Last evaluated: 2018-01-12. Review status: criteria provided, single submitter. Criteria: ICSL Variant Classification Criteria 13 December 2019. Collection method: clinical testing. Allele origin: germline.

Illumina Laboratory Services, Illumina
Classification: Uncertain significance for NPHP3-related Meckel-like syndrome. Last evaluated: 2018-01-12. Review status: criteria provided, single submitter. Criteria: ICSL Variant Classification Criteria 13 December 2019. Collection method: clinical testing. Allele origin: germline.

NM_153240.5(NPHP3):c.332C>T (p.Ser111Phe)

Genes: NPHP3-ACAD11 (NPHP3-ACAD11 readthrough (NMD candidate); minus strand), NPHP3 (nephrocystin 3; minus strand), NPHP3-AS1 (NPHP3 antisense RNA 1; plus strand). Cytogenetic location: 3q22.1.
Variant type: single nucleotide variant.
Coding change: c.332C>T on transcript NM_153240.5 (MANE Select); coding-DNA position 332, C replaced by T.
Protein change: p.Ser111Phe; replaces serine 111 with phenylalanine.
Molecular consequence: missense variant. On other transcripts: non-coding transcript variant (3).
Genome position (GRCh38, 1-based): chr3:132,722,024, G>A on the plus strand (C>T on the coding strand, the complement: NPHP3 is on the minus strand). VCF-style: chr3-132722024-G-A. GRCh37 (hg19) VCF-style: chr3-132440868-G-A.
Other names: short protein forms S111F.
Identifiers: ClinVar variation 343392 (VCV000343392.14), dbSNP rs200233813, ClinGen allele CA2622655.
Genomic context (GRCh38, chr3:132,722,024, plus strand): 5'-TGCAGTTCGGCCCGCAGCCGCTTGTTCTCCGTGTCCAGCTTGGCCTCGCGGCGGCCCATG[G>A]ACAACAACTCCTGGTTCTTGCTGACGCGAAAGATCTCGTACTCCTTCCTGAGCCGCTCGT-3'
Protein context (NP_694972.3, residues 101-121): FRVSKNQELL[Ser111Phe]MGRREAKLDT